The following is an entry in ClinVar:

NM_004747.4(DLG5):c.5016T>C (p.Asp1672=)

Gene: DLG5 (discs large MAGUK scaffold protein 5; minus strand). Cytogenetic location: 10q22.3.
Variant type: single nucleotide variant.
Coding change: c.5016T>C on transcript NM_004747.4 (MANE Select); coding-DNA position 5016, T replaced by C.
Protein change: p.Asp1672=; no amino-acid change (aspartic acid 1672 retained).
Molecular consequence: synonymous variant.
Genome position (GRCh38, 1-based): chr10:77,805,813, A>G on the plus strand (T>C on the coding strand, the complement: DLG5 is on the minus strand). VCF-style: chr10-77805813-A-G. GRCh37 (hg19) VCF-style: chr10-79565571-A-G.
Identifiers: ClinVar variation 718501 (VCV000718501.5), dbSNP rs41274580, ClinGen allele CA5569064.

ClinVar aggregate classification (germline): Benign/Likely benign. Review status: criteria provided, multiple submitters, no conflicts (2 of 4 stars). 2 submissions from 2 submitters: Benign (1); Likely benign (1). Last evaluated 2026-06-01.

Allele frequency attached by ClinVar (database versions not stated): 1000 Genomes Project 0.00060; 1000 Genomes Project 30x 0.00078; gnomAD 0.00188; TOPMed 0.00211; gnomAD exomes 0.00215; ExAC 0.00242; ESP Exome Variant Server 0.00308.
gnomAD v4.1: 5,714 of 1,614,148 alleles (0.35%); highest among the groups gnomAD compares: Non-Finnish European, 0.45%; 20 homozygotes.

Submissions (2):

CeGaT Center for Human Genetics Tuebingen
Classification: Likely benign. Last evaluated: 2026-06-01. Review status: criteria provided, single submitter. Criteria: CeGaT Center For Human Genetics Tuebingen Variant Classification Criteria Version 2. Collection method: clinical testing. Allele origin: germline. Affected: yes. Observed: 1 variant allele.
Comment: DLG5: BP4, BP7, BS2

Labcorp Genetics (formerly Invitae), Labcorp
Classification: Benign. Last evaluated: 2018-04-03. Review status: criteria provided, single submitter. Criteria: Invitae Variant Classification Sherloc (09022015). Collection method: clinical testing. Allele origin: germline.